The following is an entry in ClinVar:

NM_012293.3(PXDN):c.488+8G>C

Gene: PXDN (peroxidasin; minus strand). Cytogenetic location: 2p25.3.
Variant type: single nucleotide variant.
Coding change: c.488+8G>C on transcript NM_012293.3 (MANE Select); 8 bases into the intron after coding-DNA position 488, G replaced by C.
Molecular consequence: intron variant.
Genome position (GRCh38, 1-based): chr2:1,684,072, C>G on the plus strand (G>C on the coding strand, the complement: PXDN is on the minus strand). VCF-style: chr2-1684072-C-G. GRCh37 (hg19) VCF-style: chr2-1687844-C-G.
Identifiers: ClinVar variation 707565 (VCV000707565.12), dbSNP rs142878073, ClinGen allele CA1513642.

ClinVar aggregate classification (germline): Benign/Likely benign. Review status: criteria provided, multiple submitters, no conflicts (2 of 4 stars). 3 submissions from 3 submitters: Benign (1); Likely benign (1). 1 of the submissions does not count toward it. Last evaluated 2025-10-29.

Conditions:
PXDN-related disorder. Also called: PXDN-related condition.
Anterior segment dysgenesis 7 (ASGD7). Also called: SCLEROCORNEA WITH OTHER OCULAR ANOMALIES; Anterior segment dysgenesis 7, with sclerocornea. Identifiers: Orphanet 289499, MedGen C3151617, MONDO:0010015, OMIM 269400.

Allele frequency attached by ClinVar (database versions not stated): ExAC 0.00107; gnomAD 0.00176 and 0.00184; ESP Exome Variant Server 0.00182; 1000 Genomes Project 30x 0.00203; TOPMed 0.00216; 1000 Genomes Project 0.00220.
gnomAD v4.1: 519 of 1,571,828 alleles (0.033%); highest among the groups gnomAD compares: African/African-American, 0.57%; 1 homozygote.

Submissions (3):

Labcorp Genetics (formerly Invitae), Labcorp
Classification: Benign for Anterior segment dysgenesis 7. Last evaluated: 2025-10-29. Review status: criteria provided, single submitter. Criteria: Invitae Variant Classification Sherloc (09022015). Collection method: clinical testing. Allele origin: germline.

Blueprint Genetics
Classification: Likely benign. Last evaluated: 2024-09-12. Review status: criteria provided, single submitter. Criteria: ACMG Guidelines, 2015. Collection method: clinical testing. Allele origin: germline.

PreventionGenetics, part of Exact Sciences
Classification: Likely benign for PXDN-related condition. Last evaluated: 2019-05-08. Review status: no assertion criteria provided. Collection method: clinical testing. Allele origin: germline. Not counted in ClinVar's aggregate classification.
Comment: This variant is classified as likely benign based on ACMG/AMP sequence variant interpretation guidelines (Richards et al. 2015 PMID: 25741868, with internal and published modifications).